The following is an entry in ClinVar:

NM_001164508.2(NEB):c.24022-10T>G

Genes: NEB (nebulin; minus strand), RIF1 (replication timing regulatory factor 1; plus strand). Cytogenetic location: 2q23.3.
Variant type: single nucleotide variant.
Coding change: c.24022-10T>G on transcript NM_001164508.2 (MANE Select); 10 bases into the intron before coding-DNA position 24022, T replaced by G.
Molecular consequence: intron variant.
Genome position (GRCh38, 1-based): chr2:151,499,400, A>C on the plus strand (T>G on the coding strand, the complement: NEB is on the minus strand). VCF-style: chr2-151499400-A-C. GRCh37 (hg19) VCF-style: chr2-152355914-A-C.
Other names: c.18826-3032T>G (NM_004543.5); c.24022-10T>G (NM_001164507.2); c.24127-10T>G (NM_001271208.2).
Identifiers: ClinVar variation 1982348 (VCV001982348.1), dbSNP rs2062746264, ClinGen allele CA1298152559.

ClinVar aggregate classification (germline): Uncertain significance (1 of 4 stars; one submission).

Conditions:
Nemaline myopathy 2 (NEM2). Also called: Nemaline myopathy 2, autosomal recessive. Identifiers: MedGen C1850569, MONDO:0009725, OMIM 256030.

Allele frequency attached by ClinVar (database versions not stated): gnomAD exomes below 0.00001; TOPMed below 0.00001.
gnomAD v4.1: 1 of 1,467,462 alleles (0.000068%); highest among the groups gnomAD compares: Non-Finnish European, 0.000093%; no homozygotes.

Submission:

Labcorp Genetics (formerly Invitae), Labcorp
Classification: Uncertain significance for Nemaline myopathy 2. Last evaluated: 2022-10-18. Review status: criteria provided, single submitter. Criteria: Invitae Variant Classification Sherloc (09022015). Collection method: clinical testing. Allele origin: germline.
Comment: This sequence change falls in intron 169 of the NEB gene. It does not directly change the encoded amino acid sequence of the NEB protein. This variant is not present in population databases (gnomAD no frequency). This variant has not been reported in the literature in individuals affected with NEB-related conditions. Algorithms developed to predict the effect of sequence changes on RNA splicing suggest that this variant may disrupt the consensus splice site. In summary, the available evidence is currently insufficient to determine the role of this variant in disease. Therefore, it has been classified as a Variant of Uncertain Significance.